The following is an entry in ClinVar:

NM_005908.4(MANBA):c.2333_2334del (p.Asp778fs)

Gene: MANBA (mannosidase beta; minus strand). Cytogenetic location: 4q24.
Variant type: Deletion.
Coding change: c.2333_2334del on transcript NM_005908.4 (MANE Select); coding-DNA positions 2333 to 2334, 2 bases deleted (AC; older notation c.2333_2334delAC).
Protein change: p.Asp778fs; shifts the reading frame from aspartic acid 778.
Molecular consequence: frameshift variant.
Genome position (GRCh38, 1-based): chr4:102,634,869-102,634,870, GT deleted on the plus strand (AC on the coding strand, the reverse complement: MANBA is on the minus strand). VCF-style (leftmost placement, unchanged base first): chr4-102634868-GGT-G. GRCh37 (hg19) VCF-style: chr4-103556025-GGT-G.
Other names: short protein forms D778fs.
Identifiers: ClinVar variation 2787022 (VCV002787022.3), dbSNP rs1160665082, ClinGen allele CA554048510.

ClinVar aggregate classification (germline): Pathogenic (1 of 4 stars; one submission).

Conditions:
Beta-D-mannosidosis (MANSB). Also called: Beta-Mannosidosis; MANNOSIDOSIS, BETA A, LYSOSOMAL; BETA-MANNOSIDASE DEFICIENCY; LYSOSOMAL BETA-MANNOSIDASE DEFICIENCY. Identifiers: Orphanet 118, MedGen C4048196, MONDO:0009562, OMIM 248510.

Allele frequency attached by ClinVar (database versions not stated): gnomAD 0.00001; gnomAD exomes 0.00001; TOPMed 0.00001.

Submission:

Labcorp Genetics (formerly Invitae), Labcorp
Classification: Pathogenic for Beta-D-mannosidosis. Last evaluated: 2023-03-22. Review status: criteria provided, single submitter. Criteria: Invitae Variant Classification Sherloc (09022015). Collection method: clinical testing. Allele origin: germline.
Comment: For these reasons, this variant has been classified as Pathogenic. This variant has not been reported in the literature in individuals affected with MANBA-related conditions. This variant is present in population databases (no rsID available, gnomAD 0.0009%). This sequence change creates a premature translational stop signal (p.Asp778Alafs*2) in the MANBA gene. It is expected to result in an absent or disrupted protein product. Loss-of-function variants in MANBA are known to be pathogenic (PMID: 9384606, 12468273).

Literature cited by the submitters: PubMed 9384606; PubMed 12468273.